The following is an entry in ClinVar:

NM_005654.6(NR2F1):c.642G>A (p.Met214Ile)

Gene: NR2F1 (nuclear receptor subfamily 2 group F member 1; plus strand). Cytogenetic location: 5q15.
Variant type: single nucleotide variant.
Coding change: c.642G>A on transcript NM_005654.6 (MANE Select); coding-DNA position 642, G replaced by A.
Protein change: p.Met214Ile; replaces methionine 214 with isoleucine.
Molecular consequence: missense variant.
Genome position (GRCh38, 1-based): chr5:93,588,095, G>A. VCF-style: chr5-93588095-G-A. GRCh37 (hg19) VCF-style: chr5-92923801-G-A.
Other names: c.192G>A, p.Met64Ile (NM_001410754.1); short protein forms M214I, M64I.
Identifiers: ClinVar variation 4281839 (VCV004281839.1).

ClinVar aggregate classification (germline): Uncertain significance (1 of 4 stars; one submission).

Submission:

GeneDx
Classification: Uncertain significance. Last evaluated: 2025-04-14. Review status: criteria provided, single submitter. Criteria: GeneDx Variant Classification Process June 2021. Collection method: clinical testing. Allele origin: germline. Affected: yes.
Comment: Not observed at significant frequency in large population cohorts (gnomAD); In silico analysis indicates that this missense variant does not alter protein structure/function; Has not been previously published as pathogenic or benign to our knowledge